The following is an entry in ClinVar:

ClinVar aggregate classification (germline): Uncertain significance. Review status: criteria provided, multiple submitters, no conflicts (2 of 4 stars). 2 submissions from 2 submitters: Uncertain significance (2). Last evaluated 2024-05-31.

Conditions:
Familial adenomatous polyposis 2. Also called: MUTYH-related attenuated familial adenomatous polyposis; COLORECTAL ADENOMATOUS POLYPOSIS, AUTOSOMAL RECESSIVE; ADENOMAS, MULTIPLE COLORECTAL, AUTOSOMAL RECESSIVE; MYH-associated polyposis; MUTYH-associated polyposis; MUTYH Polyposis. Identifiers: Orphanet 220460, Orphanet 247798, MedGen C3272841, MONDO:0012041, OMIM 608456.
Hereditary cancer-predisposing syndrome. Also called: Neoplastic Syndromes, Hereditary; Hereditary neoplastic syndrome; Hereditary Cancer Syndrome; Tumor predisposition. Identifiers: Orphanet 140162, MedGen C0027672, MeSH D009386, MONDO:0015356.

Allele frequency attached by ClinVar (database versions not stated): gnomAD exomes below 0.00001; TOPMed below 0.00001; ExAC 0.00001.

Submissions (2):

Labcorp Genetics (formerly Invitae), Labcorp
Classification: Uncertain significance for Familial adenomatous polyposis 2. Last evaluated: 2024-05-31. Review status: criteria provided, single submitter. Criteria: Invitae Variant Classification Sherloc (09022015). Collection method: clinical testing. Allele origin: germline.
Comment: This sequence change replaces arginine, which is basic and polar, with glycine, which is neutral and non-polar, at codon 368 of the MUTYH protein (p.Arg368Gly). This variant is present in population databases (rs761572866, gnomAD 0.01%). This variant has not been reported in the literature in individuals affected with MUTYH-related conditions. An algorithm developed to predict the effect of missense changes on protein structure and function (PolyPhen-2) suggests that this variant is likely to be disruptive. In summary, the available evidence is currently insufficient to determine the role of this variant in disease. Therefore, it has been classified as a Variant of Uncertain Significance.

Ambry Genetics
Classification: Uncertain significance for Hereditary cancer-predisposing syndrome. Last evaluated: 2023-11-07. Review status: criteria provided, single submitter. Criteria: Ambry Variant Classification Scheme 2023. Collection method: clinical testing. Allele origin: germline.

NM_001048174.2(MUTYH):c.1018A>G (p.Arg340Gly)

Gene: MUTYH (mutY DNA glycosylase; minus strand). Cytogenetic location: 1p34.1.
Variant type: single nucleotide variant.
Coding change: c.1018A>G on transcript NM_001048174.2 (MANE Select); coding-DNA position 1018, A replaced by G.
Protein change: p.Arg340Gly; replaces arginine 340 with glycine.
Molecular consequence: missense variant. On other transcripts: non-coding transcript variant (7).
Genome position (GRCh38, 1-based): chr1:45,331,745, T>C on the plus strand (A>G on the coding strand, the complement: MUTYH is on the minus strand). VCF-style: chr1-45331745-T-C. GRCh37 (hg19) VCF-style: chr1-45797417-T-C.
Other names: c.1018A>G, p.Arg340Gly (NM_001048171.2, NM_001048173.2, NM_001293195.2 and 6 more transcripts); c.1021A>G, p.Arg341Gly (NM_001048172.2, NM_001407086.1, NM_001407071.1 and 1 more transcripts); c.1102A>G, p.Arg368Gly (NM_001128425.2); c.1063A>G, p.Arg355Gly (NM_001293190.2); c.1051A>G, p.Arg351Gly (NM_001293191.2, NM_001407069.1, NM_001407077.1); c.742A>G, p.Arg248Gly (NM_001293192.2, NM_001293196.2, NM_001407091.1); c.979A>G, p.Arg327Gly (NM_001407079.1); c.976A>G, p.Arg326Gly (NM_001407080.1); and 5 more; short protein forms R248G, R347G, R355G, R368G, R326G, R340G, R365G, R225G.
Identifiers: ClinVar variation 2800983 (VCV002800983.4), dbSNP rs761572866, ClinGen allele CA055096.